The following is an entry in ClinVar:

ClinVar aggregate classification (germline): Benign/Likely benign. Review status: criteria provided, multiple submitters, no conflicts (2 of 4 stars). 3 submissions from 3 submitters: Benign (1); Likely benign (2). Last evaluated 2024-10-23.

Conditions:
Hereditary cancer-predisposing syndrome. Also called: Hereditary Cancer Syndrome; Hereditary neoplastic syndrome; Neoplastic Syndromes, Hereditary; Tumor predisposition. Identifiers: Orphanet 140162, MedGen C0027672, MeSH D009386, MONDO:0015356.
Hereditary diffuse gastric adenocarcinoma (HDGC). Also called: DIFFUSE GASTRIC AND LOBULAR BREAST CANCER SYNDROME. Identifiers: Orphanet 26106, MedGen C1708349, MONDO:0007648, OMIM 137215.

Submissions (3):

Labcorp Genetics (formerly Invitae), Labcorp
Classification: Likely benign for Hereditary diffuse gastric adenocarcinoma. Last evaluated: 2024-10-23. Review status: criteria provided, single submitter. Criteria: Invitae Variant Classification Sherloc (09022015). Collection method: clinical testing. Allele origin: germline.

Myriad Genetics, Inc.
Classification: Benign for Hereditary diffuse gastric adenocarcinoma. Last evaluated: 2024-09-12. Review status: criteria provided, single submitter. Criteria: Myriad Autosomal Dominant, Autosomal Recessive and X-Linked Classification Criteria (2023). Collection method: clinical testing. Allele origin: unknown.
Comment: This variant is considered benign. This variant is a silent/synonymous amino acid change and it is not expected to impact splicing.

Color Diagnostics, LLC DBA Color Health
Classification: Likely benign for Hereditary cancer-predisposing syndrome. Last evaluated: 2019-06-20. Review status: criteria provided, single submitter. Criteria: ACMG Guidelines, 2015. Collection method: clinical testing. Allele origin: germline.

NM_004360.5(CDH1):c.261G>A (p.Arg87=)

Gene: CDH1 (cadherin 1; plus strand). Cytogenetic location: 16q22.1.
Variant type: single nucleotide variant.
Coding change: c.261G>A on transcript NM_004360.5 (MANE Select); coding-DNA position 261, G replaced by A.
Protein change: p.Arg87=; no amino-acid change (arginine 87 retained).
Molecular consequence: synonymous variant. On other transcripts: 5 prime UTR variant (2).
Genome position (GRCh38, 1-based): chr16:68,801,767, G>A. VCF-style: chr16-68801767-G-A. GRCh37 (hg19) VCF-style: chr16-68835670-G-A.
Other names: c.261G>A, p.Arg87= (NM_001317184.2); c.-1355G>A (NM_001317185.2); c.-1559G>A (NM_001317186.2).
Identifiers: ClinVar variation 919691 (VCV000919691.12), dbSNP rs878854689, ClinGen allele CA496152648.